The following is an entry in ClinVar:

ClinVar aggregate classification (germline): Conflicting classifications of pathogenicity. Review status: criteria provided, conflicting classifications (1 of 4 stars). 5 submissions from 5 submitters: Uncertain significance (4); Likely benign (1). Last evaluated 2026-01-14.

Conditions:
Usher syndrome type 2C. Also called: USHER SYNDROME, TYPE IIC; Usher syndrome, type 2B. Identifiers: Orphanet 231178, Orphanet 886, MedGen C2931213, MONDO:0011558, OMIM 605472.
Inborn genetic diseases. Identifiers: MedGen C0950123, MeSH D030342.

Allele frequency attached by ClinVar (database versions not stated): gnomAD 0.00005; TOPMed 0.00009.
gnomAD v4.1: 221 of 1,613,732 alleles (0.014%); highest among the groups gnomAD compares: Non-Finnish European, 0.017%; no homozygotes.

Submissions (5):

Labcorp Genetics (formerly Invitae), Labcorp
Classification: Likely benign. Last evaluated: 2026-01-14. Review status: criteria provided, single submitter. Criteria: Invitae Variant Classification Sherloc (09022015). Collection method: clinical testing. Allele origin: germline.

Blueprint Genetics
Classification: Uncertain significance. Last evaluated: 2024-06-18. Review status: criteria provided, single submitter. Criteria: ACMG Guidelines, 2015. Collection method: clinical testing. Allele origin: germline.

Ambry Genetics
Classification: Uncertain significance for Inborn genetic diseases. Last evaluated: 2021-07-14. Review status: criteria provided, single submitter. Criteria: Ambry Variant Classification Scheme 2023. Collection method: clinical testing. Allele origin: germline.

Laboratory for Molecular Medicine, Mass General Brigham Personalized Medicine
Classification: Uncertain significance. Last evaluated: 2019-01-28. Review status: criteria provided, single submitter. Criteria: LMM Criteria. Collection method: clinical testing. Allele origin: germline. Observed: 1 variant allele.
Comment: The p.Asp1858Glu variant in ADGRV1 has not been previously reported in individuals with hearing loss but has been identified in 0.006% (8/128106) of European chromosomes by gnomAD. Computational prediction tools and conservation analysis suggest that this variant may impact the protein, though this information is not predictive enough to determine pathogenicity. In summary, the clinical significance of the p.Asp1858Glu variant is uncertain. ACMG/AMP criteria applied: PM2, PP3.

Illumina Laboratory Services, Illumina
Classification: Uncertain significance for Usher syndrome type 2C. Last evaluated: 2018-01-12. Review status: criteria provided, single submitter. Criteria: ICSL Variant Classification Criteria 13 December 2019. Collection method: clinical testing. Allele origin: germline.

NM_032119.4(ADGRV1):c.5574C>A (p.Asp1858Glu)

Gene: ADGRV1 (adhesion G protein-coupled receptor V1; plus strand). Cytogenetic location: 5q14.3.
Variant type: single nucleotide variant.
Coding change: c.5574C>A on transcript NM_032119.4 (MANE Select); coding-DNA position 5574, C replaced by A.
Protein change: p.Asp1858Glu; replaces aspartic acid 1858 with glutamic acid.
Molecular consequence: missense variant. On other transcripts: non-coding transcript variant (1).
Genome position (GRCh38, 1-based): chr5:90,681,364, C>A. VCF-style: chr5-90681364-C-A. GRCh37 (hg19) VCF-style: chr5-89977181-C-A.
Other names: short protein forms D1858E.
Identifiers: ClinVar variation 666788 (VCV000666788.19), dbSNP rs771317730, ClinGen allele CA3339619.